The following is an entry in ClinVar:

ClinVar aggregate classification (germline): Uncertain significance (1 of 4 stars; one submission).

Conditions:
Spastic paraplegia. Identifiers: MedGen C0037772, HP:0001258.

Allele frequency attached by ClinVar (database versions not stated): ExAC 0.00002; TOPMed 0.00002; gnomAD 0.00004.
gnomAD v4.1: 119 of 1,612,962 alleles (0.0074%); highest among the groups gnomAD compares: Non-Finnish European, 0.0098%; no homozygotes.

Submission:

Labcorp Genetics (formerly Invitae), Labcorp
Classification: Uncertain significance for Spastic paraplegia. Last evaluated: 2022-07-20. Review status: criteria provided, single submitter. Criteria: Invitae Variant Classification Sherloc (09022015). Collection method: clinical testing. Allele origin: germline.
Comment: This sequence change replaces cysteine, which is neutral and slightly polar, with glycine, which is neutral and non-polar, at codon 1959 of the ZFYVE26 protein (p.Cys1959Gly). This variant is present in population databases (rs780669250, gnomAD 0.006%). This variant has not been reported in the literature in individuals affected with ZFYVE26-related conditions. Algorithms developed to predict the effect of missense changes on protein structure and function (SIFT, PolyPhen-2, Align-GVGD) all suggest that this variant is likely to be tolerated. In summary, the available evidence is currently insufficient to determine the role of this variant in disease. Therefore, it has been classified as a Variant of Uncertain Significance.

NM_015346.4(ZFYVE26):c.5875T>G (p.Cys1959Gly)

Gene: ZFYVE26 (zinc finger FYVE-type containing 26; minus strand). Cytogenetic location: 14q24.1.
Variant type: single nucleotide variant.
Coding change: c.5875T>G on transcript NM_015346.4 (MANE Select); coding-DNA position 5875, T replaced by G.
Protein change: p.Cys1959Gly; replaces cysteine 1959 with glycine.
Molecular consequence: missense variant.
Genome position (GRCh38, 1-based): chr14:67,766,363, A>C on the plus strand (T>G on the coding strand, the complement: ZFYVE26 is on the minus strand). VCF-style: chr14-67766363-A-C. GRCh37 (hg19) VCF-style: chr14-68233080-A-C.
Other names: short protein forms C1959G.
Identifiers: ClinVar variation 1905950 (VCV001905950.2), dbSNP rs780669250, ClinGen allele CA7239369.